The following is an entry in ClinVar:

ClinVar aggregate classification (germline): Uncertain significance (1 of 4 stars; one submission).

Allele frequency attached by ClinVar (database versions not stated): gnomAD exomes below 0.00001; gnomAD 0.00001; TOPMed 0.00001; ExAC 0.00002.
gnomAD v4.1: 4 of 1,614,096 alleles (0.00025%); highest among the groups gnomAD compares: African/African-American, 0.0053%; no homozygotes.

Submission:

Labcorp Genetics (formerly Invitae), Labcorp
Classification: Uncertain significance. Last evaluated: 2022-09-28. Review status: criteria provided, single submitter. Criteria: Invitae Variant Classification Sherloc (09022015). Collection method: clinical testing. Allele origin: germline.
Comment: Algorithms developed to predict the effect of missense changes on protein structure and function (SIFT, PolyPhen-2, Align-GVGD) all suggest that this variant is likely to be tolerated. This variant has not been reported in the literature in individuals affected with IL12RB2-related conditions. This variant is present in population databases (rs763205746, gnomAD 0.01%). This sequence change replaces glutamine, which is neutral and polar, with arginine, which is basic and polar, at codon 737 of the IL12RB2 protein (p.Gln737Arg). In summary, the available evidence is currently insufficient to determine the role of this variant in disease. Therefore, it has been classified as a Variant of Uncertain Significance.

NM_001374259.2(IL12RB2):c.2210A>G (p.Gln737Arg)

Gene: IL12RB2 (interleukin 12 receptor subunit beta 2; plus strand). Cytogenetic location: 1p31.3.
Variant type: single nucleotide variant.
Coding change: c.2210A>G on transcript NM_001374259.2 (MANE Select); coding-DNA position 2210, A replaced by G.
Protein change: p.Gln737Arg; replaces glutamine 737 with arginine.
Molecular consequence: missense variant. On other transcripts: 3 prime UTR variant (3), non-coding transcript variant (2).
Genome position (GRCh38, 1-based): chr1:67,395,710, A>G. VCF-style: chr1-67395710-A-G. GRCh37 (hg19) VCF-style: chr1-67861393-A-G.
Other names: c.*130A>G (NM_001258214.1, NM_001319233.1); c.1952A>G, p.Gln651Arg (NM_001258215.1); c.*111A>G (NM_001258216.1); c.2210A>G, p.Gln737Arg (NM_001559.3); short protein forms Q737R, Q651R.
Identifiers: ClinVar variation 2012735 (VCV002012735.4), dbSNP rs763205746, ClinGen allele CA900690.